The following is an entry in ClinVar:

ClinVar aggregate classification (germline): Uncertain significance (1 of 4 stars; one submission).

Conditions:
Peutz-Jeghers syndrome (PJS). Also called: Peutz-Jeghers polyposis; Periorificial lentiginosis syndrome; POLYPOSIS, HAMARTOMATOUS INTESTINAL; POLYPS-AND-SPOTS SYNDROME. Identifiers: Orphanet 2869, MedGen C0031269, MeSH D010580, MONDO:0008280, OMIM 175200.

Submission:

Labcorp Genetics (formerly Invitae), Labcorp
Classification: Uncertain significance for Peutz-Jeghers syndrome. Last evaluated: 2021-06-02. Review status: criteria provided, single submitter. Criteria: Invitae Variant Classification Sherloc (09022015). Collection method: clinical testing. Allele origin: germline.
Comment: In summary, the available evidence is currently insufficient to determine the role of this variant in disease. Therefore, it has been classified as a Variant of Uncertain Significance. Advanced modeling of experimental studies (such as gene expression, population dynamics, functional pathways, and cell-cycle effects in cell culture) performed at Invitae indicates that this missense variant is expected to disrupt STK11 protein function. This variant has not been reported in the literature in individuals with STK11-related conditions. This variant is not present in population databases (ExAC no frequency). This sequence change replaces glycine with alanine at codon 196 of the STK11 protein (p.Gly196Ala). The glycine residue is highly conserved and there is a small physicochemical difference between glycine and alanine.

NM_000455.5(STK11):c.587G>C (p.Gly196Ala)

Gene: STK11 (serine/threonine kinase 11; plus strand). Cytogenetic location: 19p13.3.
Variant type: single nucleotide variant.
Coding change: c.587G>C on transcript NM_000455.5 (MANE Select); coding-DNA position 587, G replaced by C.
Protein change: p.Gly196Ala; replaces glycine 196 with alanine.
Molecular consequence: missense variant.
Genome position (GRCh38, 1-based): chr19:1,220,495, G>C. VCF-style: chr19-1220495-G-C. GRCh37 (hg19) VCF-style: chr19-1220494-G-C.
Other names: short protein forms G196A.
Identifiers: ClinVar variation 1465570 (VCV001465570.8), dbSNP rs1057519858, ClinGen allele CA402949289.